The following is an entry in ClinVar:

NM_000718.4(CACNA1B):c.5555G>A (p.Gly1852Glu)

Gene: CACNA1B (calcium voltage-gated channel subunit alpha1 B; plus strand). Cytogenetic location: 9q34.3.
Variant type: single nucleotide variant.
Coding change: c.5555G>A on transcript NM_000718.4 (MANE Select); coding-DNA position 5555, G replaced by A.
Protein change: p.Gly1852Glu; replaces glycine 1852 with glutamic acid.
Molecular consequence: missense variant.
Genome position (GRCh38, 1-based): chr9:138,114,396, G>A. VCF-style: chr9-138114396-G-A. GRCh37 (hg19) VCF-style: chr9-141008848-G-A.
Other names: c.5555G>A, p.Gly1852Glu (NM_001243812.2); c.5555G>A (NM_000718.3); short protein forms G1852E.
Identifiers: ClinVar variation 1441538 (VCV001441538.5), dbSNP rs769794350, ClinGen allele CA5377413.

ClinVar aggregate classification (germline): Uncertain significance. Review status: criteria provided, multiple submitters, no conflicts (2 of 4 stars). 3 submissions from 3 submitters: Uncertain significance (3). Last evaluated 2024-12-07.

Allele frequency attached by ClinVar (database versions not stated): gnomAD exomes 0.00004 and 0.00019; gnomAD 0.00005; TOPMed 0.00013; ExAC 0.00023.
gnomAD v4.1: 55 of 1,576,758 alleles (0.0035%); highest among the groups gnomAD compares: Admixed American, 0.097%; no homozygotes.

Submissions (3):

Ambry Genetics
Classification: Uncertain significance. Last evaluated: 2024-12-07. Review status: criteria provided, single submitter. Criteria: Ambry Variant Classification Scheme 2023. Collection method: clinical testing. Allele origin: germline.

Labcorp Genetics (formerly Invitae), Labcorp
Classification: Uncertain significance. Last evaluated: 2022-08-12. Review status: criteria provided, single submitter. Criteria: Invitae Variant Classification Sherloc (09022015). Collection method: clinical testing. Allele origin: germline.
Comment: This sequence change replaces glycine, which is neutral and non-polar, with glutamic acid, which is acidic and polar, at codon 1852 of the CACNA1B protein (p.Gly1852Glu). This variant is present in population databases (rs769794350, gnomAD 0.1%). This variant has not been reported in the literature in individuals affected with CACNA1B-related conditions. ClinVar contains an entry for this variant (Variation ID: 1441538). Advanced modeling of protein sequence and biophysical properties (such as structural, functional, and spatial information, amino acid conservation, physicochemical variation, residue mobility, and thermodynamic stability) performed at Invitae indicates that this missense variant is expected to disrupt CACNA1B protein function. In summary, the available evidence is currently insufficient to determine the role of this variant in disease. Therefore, it has been classified as a Variant of Uncertain Significance.

GeneDx
Classification: Uncertain significance. Last evaluated: 2022-05-15. Review status: criteria provided, single submitter. Criteria: GeneDx Variant Classification Process June 2021. Collection method: clinical testing. Allele origin: germline. Affected: yes.
Comment: In silico analysis supports that this missense variant has a deleterious effect on protein structure/function; Has not been previously published as pathogenic or benign to our knowledge; Variants in candidate genes are classified as variants of uncertain significance in accordance with ACMG guidelines (Richards et al., 2015)